The following is an entry in ClinVar:

ClinVar aggregate classification (germline): Uncertain significance (1 of 4 stars; one submission).

Conditions:
Saldino-Mainzer syndrome (SRTD9). Also called: Renal dysplasia, retinal pigmentary dystrophy, cerebellar ataxia and skeletal dysplasia; CONORENAL SYNDROME; SHORT-RIB THORACIC DYSPLASIA 9 WITHOUT POLYDACTYLY; short-rib thoracic dysplasia 9 with or without polydactyly. Identifiers: Orphanet 140969, MedGen C1849437, MONDO:0009964, OMIM 266920.

Allele frequency attached by ClinVar (database versions not stated): gnomAD exomes below 0.00001.
gnomAD v4.1: 3 of 1,614,144 alleles (0.00019%); highest among the groups gnomAD compares: Admixed American, 0.0017%; no homozygotes.

Submission:

Labcorp Genetics (formerly Invitae), Labcorp
Classification: Uncertain significance for Saldino-Mainzer syndrome. Last evaluated: 2022-08-10. Review status: criteria provided, single submitter. Criteria: Invitae Variant Classification Sherloc (09022015). Collection method: clinical testing. Allele origin: germline.
Comment: This variant is present in population databases (no rsID available, gnomAD 0.003%). This sequence change replaces proline, which is neutral and non-polar, with alanine, which is neutral and non-polar, at codon 25 of the IFT140 protein (p.Pro25Ala). In summary, the available evidence is currently insufficient to determine the role of this variant in disease. Therefore, it has been classified as a Variant of Uncertain Significance. Algorithms developed to predict the effect of missense changes on protein structure and function output the following: SIFT: "Tolerated"; PolyPhen-2: "Benign"; Align-GVGD: "Class C0". The alanine amino acid residue is found in multiple mammalian species, which suggests that this missense change does not adversely affect protein function. ClinVar contains an entry for this variant (Variation ID: 1489850). This variant has not been reported in the literature in individuals affected with IFT140-related conditions.

NM_014714.4(IFT140):c.73C>G (p.Pro25Ala)

Genes: IFT140 (intraflagellar transport 140; minus strand), LOC105371046 (uncharacterized LOC105371046; plus strand). Cytogenetic location: 16p13.3.
Variant type: single nucleotide variant.
Coding change: c.73C>G on transcript NM_014714.4 (MANE Select); coding-DNA position 73, C replaced by G.
Protein change: p.Pro25Ala; replaces proline 25 with alanine.
Molecular consequence: missense variant.
Genome position (GRCh38, 1-based): chr16:1,607,194, G>C on the plus strand (C>G on the coding strand, the complement: IFT140 is on the minus strand). VCF-style: chr16-1607194-G-C. GRCh37 (hg19) VCF-style: chr16-1657195-G-C.
Other names: short protein forms P25A.
Identifiers: ClinVar variation 1489850 (VCV001489850.8), dbSNP rs1408766601, ClinGen allele CA394194709.